The following is an entry in ClinVar:

NM_001378454.1(ALMS1):c.7463A>T (p.Gln2488Leu)

Gene: ALMS1 (ALMS1 centrosome and basal body associated protein; plus strand). Cytogenetic location: 2p13.1.
Variant type: single nucleotide variant.
Coding change: c.7463A>T on transcript NM_001378454.1 (MANE Select); coding-DNA position 7463, A replaced by T.
Protein change: p.Gln2488Leu; replaces glutamine 2488 with leucine.
Molecular consequence: missense variant.
Genome position (GRCh38, 1-based): chr2:73,453,990, A>T. VCF-style: chr2-73453990-A-T. GRCh37 (hg19) VCF-style: chr2-73681117-A-T.
Other names: c.7466A>T, p.Gln2489Leu (NM_015120.4); short protein forms Q2489L, Q2488L.
Identifiers: ClinVar variation 2086686 (VCV002086686.4), dbSNP rs2466112862, ClinGen allele CA347292520.

ClinVar aggregate classification (germline): Uncertain significance (1 of 4 stars; one submission).

Conditions:
Alstrom syndrome (ALMS). Identifiers: Orphanet 64, MedGen C0268425, MONDO:0008763, OMIM 203800.

Submission:

Labcorp Genetics (formerly Invitae), Labcorp
Classification: Uncertain significance for Alstrom syndrome. Last evaluated: 2024-04-16. Review status: criteria provided, single submitter. Criteria: Invitae Variant Classification Sherloc (09022015). Collection method: clinical testing. Allele origin: germline.
Comment: This sequence change replaces glutamine, which is neutral and polar, with leucine, which is neutral and non-polar, at codon 2489 of the ALMS1 protein (p.Gln2489Leu). This variant is not present in population databases (gnomAD no frequency). This variant has not been reported in the literature in individuals affected with ALMS1-related conditions. ClinVar contains an entry for this variant (Variation ID: 2086686). Experimental studies and prediction algorithms are not available or were not evaluated, and the functional significance of this variant is currently unknown. In summary, the available evidence is currently insufficient to determine the role of this variant in disease. Therefore, it has been classified as a Variant of Uncertain Significance.